The following is an entry in ClinVar:

ClinVar aggregate classification (germline): Uncertain significance (1 of 4 stars; one submission).

Conditions:
Fibrous dysplasia of jaw (CRBM). Also called: Cherubism. Identifiers: Orphanet 184, MedGen C0008029, MONDO:0007315, OMIM 118400.

Submission:

Labcorp Genetics (formerly Invitae), Labcorp
Classification: Uncertain significance for Fibrous dysplasia of jaw. Last evaluated: 2022-09-06. Review status: criteria provided, single submitter. Criteria: Invitae Variant Classification Sherloc (09022015). Collection method: clinical testing. Allele origin: germline.
Comment: In summary, the available evidence is currently insufficient to determine the role of this variant in disease. Therefore, it has been classified as a Variant of Uncertain Significance. Algorithms developed to predict the effect of missense changes on protein structure and function are either unavailable or do not agree on the potential impact of this missense change (SIFT: "Deleterious"; PolyPhen-2: "Possibly Damaging"; Align-GVGD: "Class C0"). ClinVar contains an entry for this variant (Variation ID: 964996). This variant has not been reported in the literature in individuals affected with SH3BP2-related conditions. This variant is not present in population databases (gnomAD no frequency). This sequence change replaces serine, which is neutral and polar, with cysteine, which is neutral and slightly polar, at codon 114 of the SH3BP2 protein (p.Ser114Cys).

NM_001122681.2(SH3BP2):c.341C>G (p.Ser114Cys)

Gene: SH3BP2 (SH3 domain binding protein 2; plus strand). Cytogenetic location: 4p16.3.
Variant type: single nucleotide variant.
Coding change: c.341C>G on transcript NM_001122681.2 (MANE Select); coding-DNA position 341, C replaced by G.
Protein change: p.Ser114Cys; replaces serine 114 with cysteine.
Molecular consequence: missense variant.
Genome position (GRCh38, 1-based): chr4:2,824,714, C>G. VCF-style: chr4-2824714-C-G. GRCh37 (hg19) VCF-style: chr4-2826441-C-G.
Other names: c.425C>G, p.Ser142Cys (NM_001145855.2); c.512C>G, p.Ser171Cys (NM_001145856.2); c.341C>G, p.Ser114Cys (NM_003023.4); short protein forms S114C, S171C, S142C.
Identifiers: ClinVar variation 964996 (VCV000964996.9), dbSNP rs1724499985, ClinGen allele CA356053890.